The following is an entry in ClinVar:

ClinVar aggregate classification (germline): Pathogenic (1 of 4 stars; one submission).

Conditions:
Duchenne muscular dystrophy (DMD). Also called: MUSCULAR DYSTROPHY, PSEUDOHYPERTROPHIC PROGRESSIVE, DUCHENNE TYPE; Duchenne Muscular Dystrophy (DMD). Identifiers: Orphanet 98896, MedGen C0013264, MONDO:0010679, OMIM 310200.

Submission:

Labcorp Genetics (formerly Invitae), Labcorp
Classification: Pathogenic for Duchenne muscular dystrophy. Last evaluated: 2025-04-28. Review status: criteria provided, single submitter. Criteria: Invitae Variant Classification Sherloc (09022015). Collection method: clinical testing. Allele origin: germline.
Comment: This sequence change creates a premature translational stop signal (p.Glu2608Argfs*6) in the DMD gene. It is expected to result in an absent or disrupted protein product. Loss-of-function variants in DMD are known to be pathogenic (PMID: 16770791, 25007885). This variant is not present in population databases (gnomAD no frequency). This variant has not been reported in the literature in individuals affected with DMD-related conditions. For these reasons, this variant has been classified as Pathogenic.

Literature cited by the submitters: PubMed 16770791; PubMed 25007885.

NM_004006.3(DMD):c.7822del (p.Glu2608fs)

Gene: DMD (dystrophin; minus strand). Cytogenetic location: Xp21.1.
Variant type: Deletion.
Coding change: c.7822del on transcript NM_004006.3 (MANE Select); coding-DNA position 7822, one base deleted (G; older notation c.7822delG).
Protein change: p.Glu2608fs; shifts the reading frame from glutamic acid 2608.
Molecular consequence: frameshift variant.
Genome position (GRCh38, 1-based): chrX:31,679,425, C deleted on the plus strand (G on the coding strand, the reverse complement: DMD is on the minus strand); the first of 2 consecutive C bases (chrX:31,679,425-31,679,426); deleting either gives the same sequence. VCF-style (leftmost placement, unchanged base first): chrX-31679424-TC-T. GRCh37 (hg19) VCF-style: chrX-31697541-TC-T.
Other names: c.7798del, p.Glu2600fs (NM_000109.4); c.7810del, p.Glu2604fs (NM_004009.3); c.7453del, p.Glu2485fs (NM_004010.3); c.3799del, p.Glu1267fs (NM_004011.4); c.3790del, p.Glu1264fs (NM_004012.4); c.442del, p.Glu148fs (NM_004013.3, NM_004020.4, NM_004021.3 and 2 more transcripts); short protein forms E2485fs, E2608fs, E1264fs, E1267fs, E148fs, E2600fs, E2604fs.
Identifiers: ClinVar variation 4715070 (VCV004715070.1).